The following is an entry in ClinVar:

NM_001111125.3(IQSEC2):c.3533A>G (p.Gln1178Arg)

Gene: IQSEC2 (IQ motif and Sec7 domain ArfGEF 2; minus strand). Cytogenetic location: Xp11.22.
Variant type: single nucleotide variant.
Coding change: c.3533A>G on transcript NM_001111125.3 (MANE Select); coding-DNA position 3533, A replaced by G.
Protein change: p.Gln1178Arg; replaces glutamine 1178 with arginine.
Molecular consequence: missense variant. On other transcripts: 3 prime UTR variant (1).
Genome position (GRCh38, 1-based): chrX:53,235,153, T>C on the plus strand (A>G on the coding strand, the complement: IQSEC2 is on the minus strand). VCF-style: chrX-53235153-T-C. GRCh37 (hg19) VCF-style: chrX-53264335-T-C.
Other names: c.*18A>G (NM_015075.2); short protein forms Q1178R.
Identifiers: ClinVar variation 1306076 (VCV001306076.2), dbSNP rs2147006326, ClinGen allele CA413142657.
Genomic context (GRCh38, chrX:53,235,153, plus strand): 5'-ACGGGCCTCTGGCTCTTGTACTCCTCTGGCGGCGGGGGTGGGGGCGGAGGTGGCATCCTC[T>C]GGTGAGGGCGTGGACTGCTAATAACAGACCCCTGGAAGCGGGGAGGGGGGAAGTCAGGCC-3'
Protein context (NP_001104595.1, residues 1168-1188): GSVISSPRPH[Gln1178Arg]RMPPPPPPPP

ClinVar aggregate classification (germline): Uncertain significance (1 of 4 stars; one submission).

Submission:

GeneDx
Classification: Uncertain significance. Last evaluated: 2019-05-30. Review status: criteria provided, single submitter. Criteria: GeneDx Variant Classification Process June 2021. Collection method: clinical testing. Allele origin: germline. Affected: yes.
Comment: Not observed in large population cohorts (Lek et al., 2016); In silico analysis, which includes protein predictors and evolutionary conservation, supports that this variant does not alter protein structure/function; Has not been previously published as pathogenic or benign to our knowledge